The following is an entry in ClinVar:

ClinVar aggregate classification (germline): Pathogenic/Likely pathogenic. Review status: criteria provided, multiple submitters, no conflicts (2 of 4 stars). 10 submissions from 10 submitters: Pathogenic (7); Likely pathogenic (2). 1 of the submissions does not count toward it. Last evaluated 2026-05-22.

Conditions:
F11-related disorders.
Plasma factor XI deficiency.
F11-related disorder. Also called: F11-related condition.
Hereditary factor XI deficiency disease. Also called: Congenital factor XI deficiency; PLASMA THROMBOPLASTIN ANTECEDENT DEFICIENCY; PTA DEFICIENCY; ROSENTHAL SYNDROME. Identifiers: Orphanet 329, MedGen C0015523, MeSH D005173, MONDO:0012897, OMIM 612416.

Allele frequency attached by ClinVar (database versions not stated): ExAC 0.00001; gnomAD 0.00001; TOPMed 0.00001; gnomAD exomes 0.00002 and 0.00003.
gnomAD v4.1: 44 of 1,614,108 alleles (0.0027%); highest among the groups gnomAD compares: Middle Eastern, 0.016%; no homozygotes.

Submissions (10):

PreventionGenetics, part of Exact Sciences
Classification: Pathogenic for F11-related condition. Last evaluated: 2026-05-22. Review status: criteria provided, single submitter. Criteria: ACMG Guidelines, 2015. Collection method: clinical testing. Allele origin: germline.
Comment: The F11 c.1247G>A variant is predicted to result in the amino acid substitution p.Cys416Tyr. This variant (also described as p.Cys398Tyr using legacy nomenclature) has been reported in the homozygous state and in the heterozygous state both with and without a second pathogenic variant in multiple individuals with factor XI deficiency (Kravtsov et al. 2005. PubMed ID: 15728123; Mitchell et al. 2006. PubMed ID: 16835901; Zucker et al. 2007. PubMed ID: 18024374; Esteban et al. 2017. PubMed ID: 28960694). In vitro experimental studies have shown this variant causes a dominant-negative loss of function due to impaired factor XI protein secretion (Kravtsov et al. 2005. PubMed ID: 15728123). This variant is reported in 0.0087% of alleles in individuals of Latino descent in gnomAD. Taken together, this variant is interpreted is pathogenic.

Natera, Inc.
Classification: Pathogenic for Plasma factor XI deficiency. Last evaluated: 2025-11-28. Review status: criteria provided, single submitter. Criteria: Natera Variant Classification Schema (03/2026). Collection method: clinical testing. Allele origin: germline.
Comment: The c.1247G>A variant in F11 is a missense variant predicted to cause substitution of cysteine to tyrosine at amino acid 416. This variant is rare in the general population with a frequency below the threshold expected for the associated phenotype(s). This variant has been observed in one or more individuals affected with the associated recessive disease, as either homozygous or compound heterozygous with a second variant (PMID: 25074526, 16835901, 28960694, 18024374). This variant has been observed in affected individual(s) with monoallelic occurrence (heterozygous/hemizygous) (PMID: 16835901, 28960694, 15728123, 37252892). Computational prediction algorithms indicate this variant is likely to affect gene or protein function. Given the available evidence, this variant is classified as Pathogenic.

Mayo Clinic Laboratories, Mayo Clinic
Classification: Pathogenic. Last evaluated: 2025-06-25. Review status: criteria provided, single submitter. Criteria: ACMG Guidelines, 2015. Collection method: clinical testing. Allele origin: germline. Observed: 2 variant alleles.
Comment: PP3_strong, PM1, PM2_supporting, PS3, PS4_very_strong

GeneDx
Classification: Likely pathogenic. Last evaluated: 2024-12-30. Review status: criteria provided, single submitter. Criteria: GeneDx Variant Classification Process June 2021. Collection method: clinical testing. Allele origin: germline. Affected: yes.
Comment: In silico analysis supports that this missense variant has a deleterious effect on protein structure/function; This variant is associated with the following publications: (PMID: 34426522, 18024374, 15634276, 15728123, 16835901, 20308231, 29367083, 37244860, 25074526, 27723456, 35059554, 34597376, 37252892, 35935621, 38074209, 28960694, 19652879)

Dasa
Classification: Pathogenic. Last evaluated: 2024-09-13. Review status: criteria provided, single submitter. Criteria: DASA Assertion Criteria. Collection method: clinical testing. Allele origin: germline.
Comment: NM_000128.4(F11):c.1247G>A (p.Cys416Tyr) is a missense variant that results in the substitution of cysteine with tyrosine. Functional evidence supports a deleterious effect on the gene or gene product (PMID: 15728123; PMID: 16835901; PMID: 25074526). This variant has been recurrently observed in individuals with related phenotype (PMID: 15728123; PMID: 16835901; PMID: 25074526). Multiple computational predictions support a deleterious effect on the gene or gene product. The variant is present at low frequency in population datasets. Based on the available data, this variant is classified as pathogenic.

Labcorp Genetics (formerly Invitae), Labcorp
Classification: Pathogenic. Last evaluated: 2023-05-30. Review status: criteria provided, single submitter. Criteria: Invitae Variant Classification Sherloc (09022015). Collection method: clinical testing. Allele origin: germline.
Comment: For these reasons, this variant has been classified as Pathogenic. Experimental studies have shown that this missense change affects F11 function (PMID: 15728123). Advanced modeling of protein sequence and biophysical properties (such as structural, functional, and spatial information, amino acid conservation, physicochemical variation, residue mobility, and thermodynamic stability) performed at Invitae indicates that this missense variant is expected to disrupt F11 protein function. ClinVar contains an entry for this variant (Variation ID: 371565). This variant is also known as p.Cys398Tyr. This missense change has been observed in individual(s) with autosomal recessive FXI deficiency (PMID: 16835901, 18024374, 25074526, 28960694). In at least one individual the data is consistent with being in trans (on the opposite chromosome) from a pathogenic variant. This variant has been reported in individual(s) with autosomal dominant FXI deficiency (PMID: 15728123, 19652879, 28960694); however, the role of the variant in this condition is currently unclear. This variant is present in population databases (rs779802284, gnomAD 0.009%). This sequence change replaces cysteine, which is neutral and slightly polar, with tyrosine, which is neutral and polar, at codon 416 of the F11 protein (p.Cys416Tyr).

Blueprint Genetics
Classification: Pathogenic for F11-related disorders. Last evaluated: 2022-10-19. Review status: criteria provided, single submitter. Criteria: ACMG Guidelines, 2015. Collection method: clinical testing. Allele origin: germline. Affected: yes. Observed: 4 variant alleles.

Revvity Omics, Revvity
Classification: Likely pathogenic for Hereditary factor XI deficiency disease. Last evaluated: 2020-01-17. Review status: criteria provided, single submitter. Criteria: ACMG Guidelines, 2015. Collection method: clinical testing. Allele origin: germline.

Illumina Laboratory Services, Illumina
Classification: Pathogenic for Hereditary factor XI deficiency disease. Last evaluated: 2018-10-16. Review status: criteria provided, single submitter. Criteria: ICSL Variant Classification Criteria 09 May 2019. Collection method: clinical testing. Allele origin: germline.
Comment: The F11 c.1247G>A (p.Cys416Tyr) missense variant, also known as p.Cys398Tyr, has been reported in at least five studies in which it is found in at least 12 probands with factor XI deficiency, including in at least three in a homozygous state, in two in a compound heterozygous state, and in at least seven in a heterozygous state (Kravtsov et al. 2005; Mitchell et al. 2006; Zucker et al. 2007; Saunders et al. 2009; KÄ±lÄ±Ã§ et al. 2014). Control data are unavailable for this variant, which is reported at a frequency of 0.000089 in the Latino population of the Genome Aggregation Database. Functional studies in 293 and BHK fibroblasts demonstrated that the p.Cys416Tyr variant protein formed intracellular dimers but is poorly secreted, and demonstrates a dominant-negative effect on wildtype fXI secretion when cotransfected with wild type fXI (Kravtsov et al. 2005). Structural analysis indicated that the variant breaks the disulfide bridge between residues Cys398 and Cys414 disrupting folding of the serine protease domain of the protein (O'Connell et al. 2005; Saunders et al. 2009). Based on the evidence, the p.Cys416Tyr variant is classified as pathogenic for factor XI deficiency and has been described in cases following both autosomal dominant and recessive inheritance. This variant was observed by ICSL as part of a predisposition screen in an ostensibly healthy population.

Counsyl
Classification: Likely pathogenic for Hereditary factor XI deficiency disease. Last evaluated: 2016-10-20. Review status: no assertion criteria provided. Collection method: clinical testing. Allele origin: unknown. Not counted in ClinVar's aggregate classification.

Literature cited by the submitters: PubMed 25074526 (cited by 6 submitters); PubMed 16835901 (cited by 6 submitters); PubMed 28960694 (cited by 3 submitters); PubMed 18024374 (cited by 5 submitters); PubMed 15728123 (cited by 6 submitters); PubMed 37252892 (cited by Natera, Inc.); PubMed 19652879 (cited by Labcorp Genetics (formerly Invitae), Labcorp and Illumina Laboratory Services, Illumina); PubMed 15634276 (cited by Illumina Laboratory Services, Illumina and Counsyl).

NM_000128.4(F11):c.1247G>A (p.Cys416Tyr)

Gene: F11 (coagulation factor XI; plus strand). Cytogenetic location: 4q35.2.
Variant type: single nucleotide variant.
Coding change: c.1247G>A on transcript NM_000128.4 (MANE Select); coding-DNA position 1247, G replaced by A.
Protein change: p.Cys416Tyr; replaces cysteine 416 with tyrosine.
Molecular consequence: missense variant.
Genome position (GRCh38, 1-based): chr4:186,284,203, G>A. VCF-style: chr4-186284203-G-A. GRCh37 (hg19) VCF-style: chr4-187205357-G-A.
Other names: p.Cys416Tyr; short protein forms C416Y.
Identifiers: ClinVar variation 371565 (VCV000371565.21), dbSNP rs779802284, ClinGen allele CA3163932.